The following is an entry in ClinVar:

ClinVar aggregate classification (germline): Uncertain significance (1 of 4 stars; one submission).

Conditions:
Mosaic variegated aneuploidy syndrome 1 (MVA1). Also called: Warburton-Anyane-Yeboa syndrome. Identifiers: Orphanet 1052, MedGen C1850343, MONDO:0009759, OMIM 257300.

Allele frequency attached by ClinVar (database versions not stated): gnomAD exomes below 0.00001; ExAC 0.00001.
gnomAD v4.1: 1 of 1,614,010 alleles (0.000062%); highest among the groups gnomAD compares: South Asian, 0.0011%; no homozygotes.

Submission:

Labcorp Genetics (formerly Invitae), Labcorp
Classification: Uncertain significance for Mosaic variegated aneuploidy syndrome 1. Last evaluated: 2023-02-18. Review status: criteria provided, single submitter. Criteria: Invitae Variant Classification Sherloc (09022015). Collection method: clinical testing. Allele origin: germline.
Comment: In summary, the available evidence is currently insufficient to determine the role of this variant in disease. Therefore, it has been classified as a Variant of Uncertain Significance. An algorithm developed to predict the effect of missense changes on protein structure and function (PolyPhen-2) suggests that this variant is likely to be tolerated. This variant has not been reported in the literature in individuals affected with BUB1B-related conditions. This variant is present in population databases (rs778168059, gnomAD 0.003%). This sequence change replaces glutamic acid, which is acidic and polar, with glycine, which is neutral and non-polar, at codon 437 of the BUB1B protein (p.Glu437Gly).

NM_001211.6(BUB1B):c.1310A>G (p.Glu437Gly)

Gene: BUB1B (BUB1 mitotic checkpoint serine/threonine kinase B; plus strand). Cytogenetic location: 15q15.1.
Variant type: single nucleotide variant.
Coding change: c.1310A>G on transcript NM_001211.6 (MANE Select); coding-DNA position 1310, A replaced by G.
Protein change: p.Glu437Gly; replaces glutamic acid 437 with glycine.
Molecular consequence: missense variant.
Genome position (GRCh38, 1-based): chr15:40,199,636, A>G. VCF-style: chr15-40199636-A-G. GRCh37 (hg19) VCF-style: chr15-40491837-A-G.
Other names: short protein forms E437G.
Identifiers: ClinVar variation 1993426 (VCV001993426.4), dbSNP rs778168059, ClinGen allele CA7475704.